The following is an entry in ClinVar:

ClinVar aggregate classification (germline): Uncertain significance (1 of 4 stars; one submission).

Conditions:
TMEM240-related disorder. Also called: TMEM240-related condition.

Allele frequency attached by ClinVar (database versions not stated): gnomAD exomes below 0.00001; gnomAD 0.00001.

Submission:

PreventionGenetics, part of Exact Sciences
Classification: Uncertain significance for TMEM240-related condition. Last evaluated: 2023-09-01. Review status: criteria provided, single submitter. Criteria: ACMG Guidelines, 2015. Collection method: clinical testing. Allele origin: germline.
Comment: The TMEM240 c.55A>T variant is predicted to result in the amino acid substitution p.Met19Leu. To our knowledge, this variant has not been reported in the literature or in a large population database, indicating this variant is rare. At this time, the clinical significance of this variant is uncertain due to the absence of conclusive functional and genetic evidence.

NM_001114748.2(TMEM240):c.55A>T (p.Met19Leu)

Gene: TMEM240 (transmembrane protein 240; minus strand). Cytogenetic location: 1p36.33.
Variant type: single nucleotide variant.
Coding change: c.55A>T on transcript NM_001114748.2 (MANE Select); coding-DNA position 55, A replaced by T.
Protein change: p.Met19Leu; replaces methionine 19 with leucine.
Molecular consequence: missense variant.
Genome position (GRCh38, 1-based): chr1:1,540,292, T>A on the plus strand (A>T on the coding strand, the complement: TMEM240 is on the minus strand). VCF-style: chr1-1540292-T-A. GRCh37 (hg19) VCF-style: chr1-1475672-T-A.
Other names: short protein forms M19L.
Identifiers: ClinVar variation 2628692 (VCV002628692.1), dbSNP rs1642284101, ClinGen allele CA337869537.